The following is an entry in ClinVar:

NM_138369.3(BOD1):c.483A>G (p.Lys161=)

Gene: BOD1 (biorientation of chromosomes in cell division 1; minus strand). Cytogenetic location: 5q35.2.
Variant type: single nucleotide variant.
Coding change: c.483A>G on transcript NM_138369.3 (MANE Select); coding-DNA position 483, A replaced by G.
Protein change: p.Lys161=; no amino-acid change (lysine 161 retained).
Molecular consequence: synonymous variant. On other transcripts: non-coding transcript variant (4), intron variant (1).
Genome position (GRCh38, 1-based): chr5:173,609,314, T>C on the plus strand (A>G on the coding strand, the complement: BOD1 is on the minus strand). VCF-style: chr5-173609314-T-C. GRCh37 (hg19) VCF-style: chr5-173036317-T-C.
Other names: c.363-1022A>G (NM_001159651.3).
Identifiers: ClinVar variation 3050869 (VCV003050869.2), dbSNP rs138872008, ClinGen allele CA3564206.

ClinVar aggregate classification (germline): Likely benign (0 of 4 stars; one submission).

Conditions:
BOD1-related disorder. Also called: BOD1-related condition.

Allele frequency attached by ClinVar (database versions not stated): gnomAD exomes 0.00013; ExAC 0.00037; 1000 Genomes Project 30x 0.00047; 1000 Genomes Project 0.00060; gnomAD 0.00119; ESP Exome Variant Server 0.00161.

Submission:

PreventionGenetics, part of Exact Sciences
Classification: Likely benign for BOD1-related condition. Last evaluated: 2019-04-10. Review status: no assertion criteria provided. Collection method: clinical testing. Allele origin: germline.
Comment: This variant is classified as likely benign based on ACMG/AMP sequence variant interpretation guidelines (Richards et al. 2015 PMID: 25741868, with internal and published modifications).